The following is an entry in ClinVar:

ClinVar aggregate classification (germline): Uncertain significance (1 of 4 stars; one submission).

Conditions:
Schimke immuno-osseous dysplasia (SIOD). Also called: Schimke Immunoosseous Dysplasia. Identifiers: Orphanet 1830, MedGen C0877024, MONDO:0009458, OMIM 242900.

Allele frequency attached by ClinVar (database versions not stated): gnomAD 0.00001.
gnomAD v4.1: 1 of 1,614,100 alleles (0.000062%); highest among the groups gnomAD compares: Admixed American, 0.0017%; no homozygotes.

Submission:

Labcorp Genetics (formerly Invitae), Labcorp
Classification: Uncertain significance for Schimke immuno-osseous dysplasia. Last evaluated: 2025-08-06. Review status: criteria provided, single submitter. Criteria: Invitae Variant Classification Sherloc (09022015). Collection method: clinical testing. Allele origin: germline.
Comment: This sequence change replaces serine, which is neutral and polar, with cysteine, which is neutral and slightly polar, at codon 123 of the SMARCAL1 protein (p.Ser123Cys). This variant is not present in population databases (gnomAD no frequency). This variant has not been reported in the literature in individuals affected with SMARCAL1-related conditions. ClinVar contains an entry for this variant (Variation ID: 1429788). Invitae Evidence Modeling of protein sequence and biophysical properties (such as structural, functional, and spatial information, amino acid conservation, physicochemical variation, residue mobility, and thermodynamic stability) indicates that this missense variant is not expected to disrupt SMARCAL1 protein function with a negative predictive value of 80%. In summary, the available evidence is currently insufficient to determine the role of this variant in disease. Therefore, it has been classified as a Variant of Uncertain Significance.

NM_014140.4(SMARCAL1):c.368C>G (p.Ser123Cys)

Gene: SMARCAL1 (SNF2 related chromatin remodeling annealing helicase 1; plus strand). Cytogenetic location: 2q35.
Variant type: single nucleotide variant.
Coding change: c.368C>G on transcript NM_014140.4 (MANE Select); coding-DNA position 368, C replaced by G.
Protein change: p.Ser123Cys; replaces serine 123 with cysteine.
Molecular consequence: missense variant.
Genome position (GRCh38, 1-based): chr2:216,415,072, C>G. VCF-style: chr2-216415072-C-G. GRCh37 (hg19) VCF-style: chr2-217279795-C-G.
Other names: c.368C>G, p.Ser123Cys (NM_001127207.2); short protein forms S123C.
Identifiers: ClinVar variation 1429788 (VCV001429788.8), dbSNP rs1195278398, ClinGen allele CA350497148.